The following is an entry in ClinVar:

ClinVar aggregate classification (germline): Likely benign. Review status: criteria provided, single submitter (1 of 4 stars). 2 submissions from 2 submitters: Likely benign (1). 1 of the submissions does not count toward it. Last evaluated 2024-02-13.

Conditions:
SLC12A3-related disorder. Also called: SLC12A3-related condition.

Allele frequency attached by ClinVar (database versions not stated): ExAC 0.00001; gnomAD exomes 0.00004 and 0.00014; TOPMed 0.00005; gnomAD 0.00006.
gnomAD v4.1: 202 of 1,610,980 alleles (0.013%); highest among the groups gnomAD compares: Non-Finnish European, 0.017%; no homozygotes.

Submissions (2):

Labcorp Genetics (formerly Invitae), Labcorp
Classification: Likely benign. Last evaluated: 2024-02-13. Review status: criteria provided, single submitter. Criteria: Invitae Variant Classification Sherloc (09022015). Collection method: clinical testing. Allele origin: germline.

PreventionGenetics, part of Exact Sciences
Classification: Likely benign for SLC12A3-related condition. Last evaluated: 2019-05-09. Review status: no assertion criteria provided. Collection method: clinical testing. Allele origin: germline. Not counted in ClinVar's aggregate classification.
Comment: This variant is classified as likely benign based on ACMG/AMP sequence variant interpretation guidelines (Richards et al. 2015 PMID: 25741868, with internal and published modifications).

NM_001126108.2(SLC12A3):c.1164C>T (p.Ala388=)

Gene: SLC12A3 (solute carrier family 12 member 3; plus strand). Cytogenetic location: 16q13.
Variant type: single nucleotide variant.
Coding change: c.1164C>T on transcript NM_001126108.2 (MANE Select); coding-DNA position 1164, C replaced by T.
Protein change: p.Ala388=; no amino-acid change (alanine 388 retained).
Molecular consequence: synonymous variant.
Genome position (GRCh38, 1-based): chr16:56,878,145, C>T. VCF-style: chr16-56878145-C-T. GRCh37 (hg19) VCF-style: chr16-56912057-C-T.
Other names: c.1164C>T (NM_000339.2); c.1164C>T, p.Ala388= (NM_000339.3); c.1161C>T, p.Ala387= (NM_001126107.2).
Identifiers: ClinVar variation 1114849 (VCV001114849.11), dbSNP rs751046863, ClinGen allele CA8069362.